The following is an entry in ClinVar:

ClinVar aggregate classification (germline): Uncertain significance (1 of 4 stars; one submission).

gnomAD v4.1: 1 of 1,613,652 alleles (0.000062%); no homozygotes.

Submission:

Labcorp Genetics (formerly Invitae), Labcorp
Classification: Uncertain significance. Last evaluated: 2024-01-06. Review status: criteria provided, single submitter. Criteria: Invitae Variant Classification Sherloc (09022015). Collection method: clinical testing. Allele origin: germline.
Comment: This sequence change replaces threonine, which is neutral and polar, with isoleucine, which is neutral and non-polar, at codon 229 of the GABRA2 protein (p.Thr229Ile). This variant is not present in population databases (gnomAD no frequency). This variant has not been reported in the literature in individuals affected with GABRA2-related conditions. An algorithm developed to predict the effect of missense changes on protein structure and function (PolyPhen-2) suggests that this variant is likely to be tolerated. In summary, the available evidence is currently insufficient to determine the role of this variant in disease. Therefore, it has been classified as a Variant of Uncertain Significance.

NM_000807.4(GABRA2):c.686C>T (p.Thr229Ile)

Gene: GABRA2 (gamma-aminobutyric acid type A receptor subunit alpha2; minus strand). Cytogenetic location: 4p12.
Variant type: single nucleotide variant.
Coding change: c.686C>T on transcript NM_000807.4 (MANE Select); coding-DNA position 686, C replaced by T.
Protein change: p.Thr229Ile; replaces threonine 229 with isoleucine.
Molecular consequence: missense variant.
Genome position (GRCh38, 1-based): chr4:46,305,585, G>A on the plus strand (C>T on the coding strand, the complement: GABRA2 is on the minus strand). VCF-style: chr4-46305585-G-A. GRCh37 (hg19) VCF-style: chr4-46307602-G-A.
Other names: c.686C>T, p.Thr229Ile (NM_001377148.1, NM_001377149.1, NM_001377150.1 and 8 more transcripts); c.521C>T, p.Thr174Ile (NM_001377152.1, NM_001377153.1, NM_001377154.1 and 1 more transcripts); short protein forms T229I, T174I.
Identifiers: ClinVar variation 2706223 (VCV002706223.3), dbSNP rs2109642996, ClinGen allele CA356798611.